The following is an entry in ClinVar:

NM_000350.3(ABCA4):c.95C>T (p.Pro32Leu)

Gene: ABCA4 (ATP binding cassette subfamily A member 4; minus strand). Cytogenetic location: 1p22.1.
Variant type: single nucleotide variant.
Coding change: c.95C>T on transcript NM_000350.3 (MANE Select); coding-DNA position 95, C replaced by T.
Protein change: p.Pro32Leu; replaces proline 32 with leucine.
Molecular consequence: missense variant.
Genome position (GRCh38, 1-based): chr1:94,113,038, G>A on the plus strand (C>T on the coding strand, the complement: ABCA4 is on the minus strand). VCF-style: chr1-94113038-G-A. GRCh37 (hg19) VCF-style: chr1-94578594-G-A.
Other names: c.95C>T, p.Pro32Leu (NM_001425324.1); short protein forms P32L.
Identifiers: ClinVar variation 1067270 (VCV001067270.12), dbSNP rs1428504985, ClinGen allele CA341286731.

ClinVar aggregate classification (germline): Pathogenic. Review status: criteria provided, multiple submitters, no conflicts (2 of 4 stars). 2 submissions from 2 submitters: Pathogenic (2). Last evaluated 2025-11-08.

Conditions:
Stargardt disease (FFM). Also called: Stargardt's disease; Fundus flavimaculatus. Identifiers: Orphanet 827, MedGen C0271093, MONDO:0019353.

Allele frequency attached by ClinVar (database versions not stated): gnomAD 0.00001; TOPMed 0.00001.

Submissions (2):

Labcorp Genetics (formerly Invitae), Labcorp
Classification: Pathogenic. Last evaluated: 2025-11-08. Review status: criteria provided, single submitter. Criteria: Invitae Variant Classification Sherloc (09022015). Collection method: clinical testing. Allele origin: germline.
Comment: This sequence change replaces proline, which is neutral and non-polar, with leucine, which is neutral and non-polar, at codon 32 of the ABCA4 protein (p.Pro32Leu). This variant is present in population databases (no rsID available, gnomAD 0.007%). This missense change has been observed in individuals with Stargardt disease (PMID: 31543898; internal data). ClinVar contains an entry for this variant (Variation ID: 1067270). Invitae Evidence Modeling of protein sequence and biophysical properties (such as structural, functional, and spatial information, amino acid conservation, physicochemical variation, residue mobility, and thermodynamic stability) indicates that this missense variant is expected to disrupt ABCA4 protein function with a positive predictive value of 95%. For these reasons, this variant has been classified as Pathogenic.

Women's Health and Genetics/Laboratory Corporation of America, LabCorp
Classification: Pathogenic for Stargardt disease. Last evaluated: 2025-06-24. Review status: criteria provided, single submitter. Criteria: LabCorp Variant Classification Summary - May 2015. Collection method: clinical testing. Allele origin: germline.
Comment: Variant summary: ABCA4 c.95C>T (p.Pro32Leu) results in a non-conservative amino acid change in the encoded protein sequence. Algorithms developed to predict the effect of missense changes on protein structure and function all suggest that this variant is likely to be disruptive. The variant was absent in 251252 control chromosomes. c.95C>T has been observed in multiple individuals affected with Stargardt Disease (Hu_2019, Wang_2022, internal_testing). These data indicate that the variant may be associated with disease. To our knowledge, no experimental evidence demonstrating an impact on protein function has been reported. The following publications have been ascertained in the context of this evaluation (PMID: 31543898, 35608843) ClinVar contains an entry for this variant (Variation ID: 1067270). Based on the evidence outlined above, the variant was classified as pathogenic.

Literature cited by the submitters: PubMed 31543898 (cited by Labcorp Genetics (formerly Invitae), Labcorp and Women's Health and Genetics/Laboratory Corporation of America, LabCorp); PubMed 35608843 (cited by Women's Health and Genetics/Laboratory Corporation of America, LabCorp).